The following is an entry in ClinVar:

NM_001166108.2(PALLD):c.1273A>G (p.Thr425Ala)

Gene: PALLD (palladin, cytoskeletal associated protein; plus strand). Cytogenetic location: 4q32.3.
Variant type: single nucleotide variant.
Coding change: c.1273A>G on transcript NM_001166108.2 (MANE Select); coding-DNA position 1273, A replaced by G.
Protein change: p.Thr425Ala; replaces threonine 425 with alanine.
Molecular consequence: missense variant.
Genome position (GRCh38, 1-based): chr4:168,685,497, A>G. VCF-style: chr4-168685497-A-G. GRCh37 (hg19) VCF-style: chr4-169606648-A-G.
Other names: c.127A>G, p.Thr43Ala (NM_001166109.2); c.1273A>G, p.Thr425Ala (NM_016081.4); short protein forms T43A, T425A.
Identifiers: ClinVar variation 1765933 (VCV001765933.2), dbSNP rs140454899, ClinGen allele CA358794405.

ClinVar aggregate classification (germline): Uncertain significance (1 of 4 stars; one submission).

Submission:

Ambry Genetics
Classification: Uncertain significance. Last evaluated: 2024-03-27. Review status: criteria provided, single submitter. Criteria: Ambry Variant Classification Scheme 2023. Collection method: clinical testing. Allele origin: germline.
Comment: The p.T425A variant (also known as c.1273A>G), located in coding exon 5 of the PALLD gene, results from an A to G substitution at nucleotide position 1273. The threonine at codon 425 is replaced by alanine, an amino acid with similar properties. This amino acid position is conserved. In addition, the in silico prediction for this alteration is inconclusive. Since supporting evidence is limited at this time, the clinical significance of this alteration remains unclear.